The following is an entry in ClinVar:

ClinVar aggregate classification (germline): Uncertain significance (1 of 4 stars; one submission).

Conditions:
LEPR-related disorder. Also called: LEPR-related condition; LEPR-related disorders.

gnomAD v4.1: 1 of 1,613,386 alleles (0.000062%); highest among the groups gnomAD compares: Non-Finnish European, 0.000085%; no homozygotes.

Submission:

PreventionGenetics, part of Exact Sciences
Classification: Uncertain significance for LEPR-related condition. Last evaluated: 2025-11-12. Review status: criteria provided, single submitter. Criteria: ACMG Guidelines, 2015. Collection method: clinical testing. Allele origin: germline.
Comment: The LEPR c.1042G>A variant is predicted to result in the amino acid substitution p.Val348Ile. This variant was observed in a cohort of individuals with obesity, and in vitro functional studies showed function similar to wild-type levels (Supplemental Data Set, Shah et al. 2023. PubMed ID: 36864747). This variant has not been reported in a large population database (gnomAD), indicating this variant is rare. At this time, the clinical significance of this variant is uncertain due to the absence of conclusive functional and genetic evidence.

NM_002303.6(LEPR):c.1042G>A (p.Val348Ile)

Gene: LEPR (leptin receptor; plus strand). Cytogenetic location: 1p31.3.
Variant type: single nucleotide variant.
Coding change: c.1042G>A on transcript NM_002303.6 (MANE Select); coding-DNA position 1042, G replaced by A.
Protein change: p.Val348Ile; replaces valine 348 with isoleucine.
Molecular consequence: missense variant.
Genome position (GRCh38, 1-based): chr1:65,601,439, G>A. VCF-style: chr1-65601439-G-A. GRCh37 (hg19) VCF-style: chr1-66067122-G-A.
Other names: c.1042G>A, p.Val348Ile (NM_001003679.3, NM_001003680.3, NM_001198687.2 and 2 more transcripts); short protein forms V348I.
Identifiers: ClinVar variation 4991349 (VCV004991349.1).